The following is an entry in ClinVar:

ClinVar aggregate classification (germline): Likely benign (1 of 4 stars; one submission).

gnomAD v4.1: 92 of 1,598,436 alleles (0.0058%); highest among the groups gnomAD compares: Non-Finnish European, 0.0069%; no homozygotes.

Submission:

CeGaT Center for Human Genetics Tuebingen
Classification: Likely benign. Last evaluated: 2026-07-01. Review status: criteria provided, single submitter. Criteria: CeGaT Center For Human Genetics Tuebingen Variant Classification Criteria Version 2. Collection method: clinical testing. Allele origin: germline. Affected: yes. Observed: 1 variant allele.
Comment: DOT1L: BP4, BS2

NM_032482.3(DOT1L):c.3787G>A (p.Ala1263Thr)

Gene: DOT1L (DOT1 like histone lysine methyltransferase; plus strand). Cytogenetic location: 19p13.3.
Variant type: single nucleotide variant.
Coding change: c.3787G>A on transcript NM_032482.3 (MANE Select); coding-DNA position 3787, G replaced by A.
Protein change: p.Ala1263Thr; replaces alanine 1263 with threonine.
Molecular consequence: missense variant.
Genome position (GRCh38, 1-based): chr19:2,226,308, G>A. VCF-style: chr19-2226308-G-A. GRCh37 (hg19) VCF-style: chr19-2226307-G-A.
Other names: c.3787G>A, p.Ala1263Thr (NM_001411141.1); short protein forms A1263T.
Identifiers: ClinVar variation 5039558 (VCV005039558.1).